The following is an entry in ClinVar:

NM_003737.4(DCHS1):c.4463T>C (p.Leu1488Pro)

Gene: DCHS1 (dachsous cadherin-related 1; minus strand). Cytogenetic location: 11p15.4.
Variant type: single nucleotide variant.
Coding change: c.4463T>C on transcript NM_003737.4 (MANE Select); coding-DNA position 4463, T replaced by C.
Protein change: p.Leu1488Pro; replaces leucine 1488 with proline.
Molecular consequence: missense variant.
Genome position (GRCh38, 1-based): chr11:6,630,331, A>G on the plus strand (T>C on the coding strand, the complement: DCHS1 is on the minus strand). VCF-style: chr11-6630331-A-G. GRCh37 (hg19) VCF-style: chr11-6651562-A-G.
Other names: short protein forms L1488P.
Identifiers: ClinVar variation 1710070 (VCV001710070.2), dbSNP rs2493824180, ClinGen allele CA379404833.
Genomic context (GRCh38, chr11:6,630,331, plus strand): 5'-GCGGGAGTGGTCTCTCGGTCCAGGCCGCGCGGAGCGCTGAGCGCCCCGGTGCGCGCGTCC[A>G]GGCGAAGCGCCGGCACGGGCGGCTCCTGGCGCAGCAGGCGGTAGCGCACGTCGCTATTGG-3'
Protein context (NP_003728.1, residues 1478-1498): RQEPPVPALR[Leu1488Pro]DARTGALSAP

ClinVar aggregate classification (germline): Uncertain significance (1 of 4 stars; one submission).

Conditions:
Van Maldergem syndrome 1 (VMLDS1). Also called: Van Maldergem syndrome 1 (VMLDS1). Identifiers: Orphanet 314679, MedGen C4551950, MONDO:0011070, OMIM 601390.

Submission:

MGZ Medical Genetics Center
Classification: Uncertain significance for Van Maldergem syndrome 1. Last evaluated: 2021-11-11. Review status: criteria provided, single submitter. Criteria: ACMG Guidelines, 2015. Collection method: clinical testing. Allele origin: germline. Affected: yes. Observed: 1 variant allele.
Comment: ACMG criteria applied: PM1, PM2_SUP, PP3